The following is an entry in ClinVar:

NM_000127.3(EXT1):c.1783C>T (p.Arg595Cys)

Gene: EXT1 (exostosin glycosyltransferase 1; minus strand). Cytogenetic location: 8q24.11.
Variant type: single nucleotide variant.
Coding change: c.1783C>T on transcript NM_000127.3 (MANE Select); coding-DNA position 1783, C replaced by T.
Protein change: p.Arg595Cys; replaces arginine 595 with cysteine.
Molecular consequence: missense variant.
Genome position (GRCh38, 1-based): chr8:117,807,317, G>A on the plus strand (C>T on the coding strand, the complement: EXT1 is on the minus strand). VCF-style: chr8-117807317-G-A. GRCh37 (hg19) VCF-style: chr8-118819556-G-A.
Other names: short protein forms R595C.
Identifiers: ClinVar variation 3711517 (VCV003711517.2).
Genomic context (GRCh38, chr8:117,807,317, plus strand): 5'-CGTTCGTCCACTTTGATGTGTATCCCCACCGCTCCTTAGAGTTATCCCAGAAGTGGCTGC[G>A]CGCGGGGTACCCCACAATCCTCTCAGGGAAGCTCTGCCACACTGTGAAGGCGAAATCCAC-3'
Protein context (NP_000118.2, residues 585-605): FPERIVGYPA[Arg595Cys]SHFWDNSKER

ClinVar aggregate classification (germline): Uncertain significance (1 of 4 stars; one submission).

Conditions:
Multiple congenital exostosis (EXT). Also called: Hereditary multiple osteochondromas; Hereditary multiple exostoses; Hereditary multiple exostosis; Multiple exostoses; MULTIPLE CARTILAGINOUS EXOSTOSES; Multiple osteochondromas. Identifiers: Orphanet 321, MedGen C0015306, MONDO:0005508, HP:0002762.

gnomAD v4.1: 2 of 1,614,112 alleles (0.00012%); highest among the groups gnomAD compares: East Asian, 0.0022%; no homozygotes.

Submission:

Labcorp Genetics (formerly Invitae), Labcorp
Classification: Uncertain significance for Multiple congenital exostosis. Last evaluated: 2024-05-04. Review status: criteria provided, single submitter. Criteria: Invitae Variant Classification Sherloc (09022015). Collection method: clinical testing. Allele origin: germline.
Comment: This sequence change replaces arginine, which is basic and polar, with cysteine, which is neutral and slightly polar, at codon 595 of the EXT1 protein (p.Arg595Cys). This variant is not present in population databases (gnomAD no frequency). This variant has not been reported in the literature in individuals affected with EXT1-related conditions. Advanced modeling of protein sequence and biophysical properties (such as structural, functional, and spatial information, amino acid conservation, physicochemical variation, residue mobility, and thermodynamic stability) has been performed at Invitae for this missense variant, however the output from this modeling did not meet the statistical confidence thresholds required to predict the impact of this variant on EXT1 protein function. In summary, the available evidence is currently insufficient to determine the role of this variant in disease. Therefore, it has been classified as a Variant of Uncertain Significance.